The following is an entry in ClinVar:

NM_005560.6(LAMA5):c.8278A>G (p.Thr2760Ala)

Gene: LAMA5 (laminin subunit alpha 5; minus strand). Cytogenetic location: 20q13.33.
Variant type: single nucleotide variant.
Coding change: c.8278A>G on transcript NM_005560.6 (MANE Select); coding-DNA position 8278, A replaced by G.
Protein change: p.Thr2760Ala; replaces threonine 2760 with alanine.
Molecular consequence: missense variant.
Genome position (GRCh38, 1-based): chr20:62,314,644, T>C on the plus strand (A>G on the coding strand, the complement: LAMA5 is on the minus strand). VCF-style: chr20-62314644-T-C. GRCh37 (hg19) VCF-style: chr20-60889700-T-C.
Other names: short protein forms T2760A.
Identifiers: ClinVar variation 4531759 (VCV004531759.1).

ClinVar aggregate classification (germline): Uncertain significance (1 of 4 stars; one submission).

Conditions:
Nephrotic syndrome, IIa 26. Also called: Nephrotic syndrome, type 26. Identifiers: MedGen C5774221, MONDO:0031061, OMIM 620049.

gnomAD v4.1: 1 of 1,612,600 alleles (0.000062%); highest among the groups gnomAD compares: Non-Finnish European, 0.000085%; no homozygotes.

Submission:

Victorian Clinical Genetics Services, Murdoch Childrens Research Institute
Classification: Uncertain significance for Nephrotic syndrome, IIa 26. Last evaluated: 2024-11-25. Review status: criteria provided, single submitter. Criteria: ACMG Guidelines, 2015. Collection method: clinical testing. Allele origin: germline.
Comment: This variant is classified as VUS-3B. Evidence in support of pathogenic classification: Variant is present in gnomAD <0.01 for a recessive condition (v4: 1 heterozygote(s), 0 homozygote(s)). Additional information: Variant is predicted to result in a missense amino acid change from threonine to alanine; This variant is heterozygous; This gene is associated with autosomal recessive disease. There are limited reports on autosomal dominant FSGS and complex multisystem syndrome due to ECM dysfunction (PMID: 24130771, 28735299); Multiple alternative amino acid changes at the same position have been observed in gnomAD (v4) (highest allele count: 5 heterozygote(s), 0 homozygote(s)); This variant has no previous evidence of pathogenicity; No published segregation evidence has been identified for this variant; No published functional evidence has been identified for this variant; No comparable missense variants have previous evidence for pathogenicity; Variant is located in the annotated laminin domain II (DECIPHER); Missense variant with conflicting in silico predictions and uninformative conservation; Loss of function is a known mechanism of disease in this gene and is associated with nephrotic syndrome, type 26 (MIM#620049) and focal segmental glomerular sclerosis (FSGS; PMID: 24130771). The mechanism of disease associated with complex multisystem syndrome due to ECM dysfunction is currently unclear; Inheritance information for this variant is not currently available in this individual.

Literature cited by the submitters: PubMed 28735299; PubMed 24130771.